The following is an entry in ClinVar:

NM_000377.3(WAS):c.1453+1G>A

Gene: WAS (WASP actin nucleation promoting factor; plus strand). Cytogenetic location: Xp11.23.
Variant type: single nucleotide variant.
Coding change: c.1453+1G>A on transcript NM_000377.3 (MANE Select); the canonical splice donor site of the intron after coding-DNA position 1453, G replaced by A.
Molecular consequence: splice donor variant.
Genome position (GRCh38, 1-based): chrX:48,689,435, G>A. VCF-style: chrX-48689435-G-A. GRCh37 (hg19) VCF-style: chrX-48547824-G-A.
Identifiers: ClinVar variation 3041901 (VCV003041901.4), dbSNP rs2519289166, ClinGen allele CA412874028.

ClinVar aggregate classification (germline): Pathogenic. Review status: criteria provided, single submitter (1 of 4 stars). 2 submissions from 2 submitters: Pathogenic (1). 1 of the submissions does not count toward it. Last evaluated 2024-02-04.

Conditions:
WAS-related disorder. Also called: WAS-Related Disorders; WAS-related condition. Identifiers: MedGen CN381538.
Thrombocytopenia 1. Also called: X-Linked Thrombocytopenia (XLT); THROMBOCYTOPENIA, X-LINKED, 1; X-linked thrombocytopenia with normal platelets. Identifiers: Orphanet 268322, Orphanet 852, MedGen C1839163, MONDO:0010743, OMIM 313900.
Wiskott-Aldrich syndrome (WAS). Also called: ALDRICH SYNDROME; IMMUNODEFICIENCY 2; WISKOTT-ALDRICH SYNDROME 1; Wiskott-aldrich syndrome, somatic. Identifiers: Orphanet 906, MedGen C0043194, MONDO:0010518, OMIM 301000.
X-linked severe congenital neutropenia (SCNX). Identifiers: Orphanet 86788, MedGen C1845987, MONDO:0010294, OMIM 300299.

Submissions (2):

Labcorp Genetics (formerly Invitae), Labcorp
Classification: Pathogenic for Wiskott-Aldrich syndrome; X-linked severe congenital neutropenia; Thrombocytopenia 1. Last evaluated: 2024-02-04. Review status: criteria provided, single submitter. Criteria: Invitae Variant Classification Sherloc (09022015). Collection method: clinical testing. Allele origin: germline.
Comment: This sequence change affects a donor splice site in intron 11 of the WAS gene. While this variant is not anticipated to result in nonsense mediated decay, it likely alters RNA splicing and results in a disrupted protein product. This variant is not present in population databases (gnomAD no frequency). Disruption of this splice site has been observed in individuals with Wiskott-Aldrich syndrome (PMID: 15284122, 17400488; Invitae). Variants that disrupt the consensus splice site are a relatively common cause of aberrant splicing (PMID: 17576681, 9536098). Algorithms developed to predict the effect of sequence changes on RNA splicing suggest that this variant may disrupt the consensus splice site. For these reasons, this variant has been classified as Pathogenic.

PreventionGenetics, part of Exact Sciences
Classification: Pathogenic for WAS-related condition. Last evaluated: 2024-01-08. Review status: no assertion criteria provided. Collection method: clinical testing. Allele origin: germline. Not counted in ClinVar's aggregate classification.
Comment: The WAS c.1453+1G>A variant is predicted to disrupt the GT donor site and interfere with normal splicing. This variant, along with a missense WAS variant, has been reported in the hemizygous state in an individual with Wiskott-Aldrich syndrome (Liu et al. 2019. PubMed ID: 31104664). Other variants affecting the same consensus splice donor site in WAS have been reported in individuals with Wiskott-Aldrich syndrome (Table 1, IVS11+2T>C and IVS11+2T>G, Jin et al. 2004. PubMed ID: 15284122; Table 1, Chan et al. 2022. PubMed ID: 35874699). This variant is interpreted as pathogenic.

Literature cited by the submitters: PubMed 15284122 (cited by Labcorp Genetics (formerly Invitae), Labcorp); PubMed 17400488 (cited by Labcorp Genetics (formerly Invitae), Labcorp); PubMed 17576681 (cited by Labcorp Genetics (formerly Invitae), Labcorp); PubMed 9536098 (cited by Labcorp Genetics (formerly Invitae), Labcorp).